The following is an entry in ClinVar:

ClinVar aggregate classification (germline): Likely pathogenic (1 of 4 stars; one submission).

Submission:

Labcorp Genetics (formerly Invitae), Labcorp
Classification: Likely pathogenic. Last evaluated: 2023-03-21. Review status: criteria provided, single submitter. Criteria: Invitae Variant Classification Sherloc (09022015). Collection method: clinical testing. Allele origin: germline.
Comment: In summary, the currently available evidence indicates that the variant is pathogenic, but additional data are needed to prove that conclusively. Therefore, this variant has been classified as Likely Pathogenic. Algorithms developed to predict the effect of sequence changes on RNA splicing suggest that this variant may disrupt the consensus splice site. Disruption of this splice site has been observed in individual(s) with congenital lipoid adrenal hyperplasia (PMID: 15289763). This variant is present in population databases (no rsID available, gnomAD 0.01%). This sequence change affects a donor splice site in intron 3 of the STAR gene. It is expected to disrupt RNA splicing. Variants that disrupt the donor or acceptor splice site typically lead to a loss of protein function (PMID: 16199547), and loss-of-function variants in STAR are known to be pathogenic (PMID: 8948562).

Literature cited by the submitters: PubMed 15289763; PubMed 16199547; PubMed 8948562.

NM_000349.3(STAR):c.306+1G>T

Gene: STAR (steroidogenic acute regulatory protein; minus strand). Cytogenetic location: 8p11.23.
Variant type: single nucleotide variant.
Coding change: c.306+1G>T on transcript NM_000349.3 (MANE Select); the canonical splice donor site of the intron after coding-DNA position 306, G replaced by T.
Molecular consequence: splice donor variant.
Genome position (GRCh38, 1-based): chr8:38,148,199, C>A on the plus strand (G>T on the coding strand, the complement: STAR is on the minus strand). VCF-style: chr8-38148199-C-A. GRCh37 (hg19) VCF-style: chr8-38005717-C-A.
Identifiers: ClinVar variation 2848064 (VCV002848064.3), dbSNP rs755823086, ClinGen allele CA370702369.